The following is an entry in ClinVar:

ClinVar aggregate classification (germline): Uncertain significance (1 of 4 stars; one submission).

Conditions:
Niemann-Pick disease, type C1. Also called: NIEMANN-PICK DISEASE, VARIANT TYPE C1; NEUROVISCERAL STORAGE DISEASE WITH VERTICAL SUPRANUCLEAR OPHTHALMOPLEGIA; NIEMANN-PICK DISEASE WITH CHOLESTEROL ESTERIFICATION BLOCK; NIEMANN-PICK DISEASE WITHOUT SPHINGOMYELINASE DEFICIENCY; NIEMANN-PICK DISEASE, CHRONIC NEURONOPATHIC FORM. Identifiers: Orphanet 646, MedGen C3179455, MONDO:0009757, OMIM 257220.

Allele frequency attached by ClinVar (database versions not stated): gnomAD 0.00001.
gnomAD v4.1: 1 of 1,613,650 alleles (0.000062%); highest among the groups gnomAD compares: African/African-American, 0.0013%; no homozygotes.

Submission:

Labcorp Genetics (formerly Invitae), Labcorp
Classification: Uncertain significance for Niemann-Pick disease, type C1. Last evaluated: 2023-08-24. Review status: criteria provided, single submitter. Criteria: Invitae Variant Classification Sherloc (09022015). Collection method: clinical testing. Allele origin: germline.
Comment: This sequence change replaces asparagine, which is neutral and polar, with serine, which is neutral and polar, at codon 1101 of the NPC1 protein (p.Asn1101Ser). This variant is present in population databases (no rsID available, gnomAD 0.01%). In summary, the available evidence is currently insufficient to determine the role of this variant in disease. Therefore, it has been classified as a Variant of Uncertain Significance. Advanced modeling of protein sequence and biophysical properties (such as structural, functional, and spatial information, amino acid conservation, physicochemical variation, residue mobility, and thermodynamic stability) performed at Invitae indicates that this missense variant is not expected to disrupt NPC1 protein function. ClinVar contains an entry for this variant (Variation ID: 2415229). This variant has not been reported in the literature in individuals affected with NPC1-related conditions.

NM_000271.5(NPC1):c.3302A>G (p.Asn1101Ser)

Gene: NPC1 (NPC intracellular cholesterol transporter 1; minus strand). Cytogenetic location: 18q11.2.
Variant type: single nucleotide variant.
Coding change: c.3302A>G on transcript NM_000271.5 (MANE Select); coding-DNA position 3302, A replaced by G.
Protein change: p.Asn1101Ser; replaces asparagine 1101 with serine.
Molecular consequence: missense variant.
Genome position (GRCh38, 1-based): chr18:23,535,644, T>C on the plus strand (A>G on the coding strand, the complement: NPC1 is on the minus strand). VCF-style: chr18-23535644-T-C. GRCh37 (hg19) VCF-style: chr18-21115608-T-C.
Other names: short protein forms N1101S.
Identifiers: ClinVar variation 2415229 (VCV002415229.6), dbSNP rs1345378760, ClinGen allele CA401791489.